The following is an entry in ClinVar:

NM_181336.4(LEMD2):c.866G>T (p.Cys289Phe)

Gene: LEMD2 (LEM domain nuclear envelope protein 2; minus strand). Cytogenetic location: 6p21.31.
Variant type: single nucleotide variant.
Coding change: c.866G>T on transcript NM_181336.4 (MANE Select); coding-DNA position 866, G replaced by T.
Protein change: p.Cys289Phe; replaces cysteine 289 with phenylalanine.
Molecular consequence: missense variant. On other transcripts: 5 prime UTR variant (2).
Genome position (GRCh38, 1-based): chr6:33,781,141, C>A on the plus strand (G>T on the coding strand, the complement: LEMD2 is on the minus strand). VCF-style: chr6-33781141-C-A. GRCh37 (hg19) VCF-style: chr6-33748918-C-A.
Other names: c.-41G>T (NM_001143944.1, NM_001348709.2); c.467G>T, p.Cys156Phe (NM_001348710.2); short protein forms C289F, C156F.
Identifiers: ClinVar variation 5001150 (VCV005001150.1).
Genomic context (GRCh38, chr6:33,781,141, plus strand): 5'-ATATATTCTTGGGCTTCCATAACAGGAATGCATTTGCTTTTTAGATTCTCTGGATTTCCA[C>A]ACTCAAAATTACCTAGGAGAAAAAAAACCACACATGCTCAAACACAAAGGAAAAATCACT-3'
Protein context (NP_851853.1, residues 279-299): FLAIQAGNFE[Cys289Phe]GNPENLKSKC

ClinVar aggregate classification (germline): Uncertain significance (1 of 4 stars; one submission).

Conditions:
LEMD2-related disorder. Also called: LEMD2-related condition.

Submission:

PreventionGenetics, part of Exact Sciences
Classification: Uncertain significance for LEMD2-related condition. Last evaluated: 2025-02-17. Review status: criteria provided, single submitter. Criteria: ACMG Guidelines, 2015. Collection method: clinical testing. Allele origin: germline.
Comment: The LEMD2 c.866G>T variant is predicted to result in the amino acid substitution p.Cys289Phe. To our knowledge, this variant has not been reported in the literature or in a large population database (gnomAD), indicating this variant is rare. At this time, the clinical significance of this variant is uncertain due to the absence of conclusive functional and genetic evidence.